The following is an entry in ClinVar:

ClinVar aggregate classification (germline): Likely pathogenic (1 of 4 stars; one submission).

Submission:

GeneDx
Classification: Likely pathogenic. Last evaluated: 2015-04-24. Review status: criteria provided, single submitter. Criteria: GeneDx Variant Classification (06012015). Collection method: clinical testing. Allele origin: germline. Affected: yes.
Comment: TheQ168E has not been published as a pathogenic variant or as a benign polymorphism to our knowledge. The Q168E variant was not observed in approximately 6,100 individuals of European and African American ancestry in the NHLBI Exome Sequencing Project, indicating it is not a common benign variant in these populations. In addition, the Q168E variant is a semi-conservative amino acid substitution, which may impact secondary protein structure as these residues differ in some properties, and occurs at a position that is conserved across species. Consequently in silico analysis predicts this variant is probably damaging to the protein structure/function. Missense variants in nearby residues (P164S, A165D, R169Q, R176Q) have been reported in the Human Gene Mutation Database in association with arryhtmia (Stenson P et al., 2014), supporting the functional importance of this region of the protein. Furthermore, the Q168E variant is located in one of the three hot-spot regions of the RYR2 gene, where the majority of pathogenic missense variants occur (Medeiros-Domingo A et al., 2009).Therefore, this variant is a strong candidate for a pathogenic variant, however the possibility that it is a benign variant cannot be excluded.

NM_001035.3(RYR2):c.502C>G (p.Gln168Glu)

Gene: RYR2 (ryanodine receptor 2; plus strand). Cytogenetic location: 1q43.
Variant type: single nucleotide variant.
Coding change: c.502C>G on transcript NM_001035.3 (MANE Select); coding-DNA position 502, C replaced by G.
Protein change: p.Gln168Glu; replaces glutamine 168 with glutamic acid.
Molecular consequence: missense variant.
Genome position (GRCh38, 1-based): chr1:237,377,361, C>G. VCF-style: chr1-237377361-C-G. GRCh37 (hg19) VCF-style: chr1-237540661-C-G.
Other names: c.502C>G, p.Gln168Glu (LRG_402t1); short protein forms Q168E.
Identifiers: ClinVar variation 427184 (VCV000427184.2), dbSNP rs1085308008, ClinGen allele CA345375521.